The following is an entry in ClinVar:

ClinVar aggregate classification (germline): Pathogenic (1 of 4 stars; one submission).

Conditions:
Hereditary diffuse gastric adenocarcinoma (HDGC). Also called: DIFFUSE GASTRIC AND LOBULAR BREAST CANCER SYNDROME. Identifiers: Orphanet 26106, MedGen C1708349, MONDO:0007648, OMIM 137215.

Submission:

Labcorp Genetics (formerly Invitae), Labcorp
Classification: Pathogenic for Hereditary diffuse gastric cancer. Last evaluated: 2019-05-16. Review status: criteria provided, single submitter. Criteria: Invitae Variant Classification Sherloc (09022015). Collection method: clinical testing. Allele origin: germline.
Comment: This sequence change creates a premature translational stop signal (p.Gln706Lysfs*16) in the CDH1 gene. It is expected to result in an absent or disrupted protein product. This variant is not present in population databases (ExAC no frequency). This variant has not been reported in the literature in individuals with CDH1-related conditions. Loss-of-function variants in CDH1 are known to be pathogenic (PMID: 15235021, 20373070). For these reasons, this variant has been classified as Pathogenic.

NM_004360.5(CDH1):c.2116del (p.Gln706fs)

Gene: CDH1 (cadherin 1; plus strand). Cytogenetic location: 16q22.1.
Variant type: Deletion.
Coding change: c.2116del on transcript NM_004360.5 (MANE Select); coding-DNA position 2116, one base deleted (C; older notation c.2116delC).
Protein change: p.Gln706fs; shifts the reading frame from glutamine 706.
Molecular consequence: frameshift variant.
Genome position (GRCh38, 1-based): chr16:68,823,578, C deleted. VCF-style (leftmost placement, unchanged base first): chr16-68823577-GC-G. GRCh37 (hg19) VCF-style: chr16-68857480-GC-G.
Other names: c.1933del, p.Gln645fs (NM_001317184.2); c.568del, p.Gln190fs (NM_001317185.2); c.151del, p.Gln51fs (NM_001317186.2); short protein forms Q706fs, Q51fs, Q190fs, Q645fs.
Identifiers: ClinVar variation 936809 (VCV000936809.1), dbSNP rs1961235503, ClinGen allele CA1139664767.
Genomic context (GRCh38, chr16:68,823,577, plus strand): 5'-GTGTGACTGTGAAGGGGCCGCTGGCGTCTGTAGGAAGGCACAGCCTGTCGAAGCAGGATT[GC>G]AAATTCCTGCCATTCTGGGGATTCTTGGAGGAATTCTTGCTTTGCTAAGTAAGTCCAGCT-3'